The following is an entry in ClinVar:

ClinVar aggregate classification (germline): Pathogenic (1 of 4 stars; one submission).

Submission:

Labcorp Genetics (formerly Invitae), Labcorp
Classification: Pathogenic. Last evaluated: 2024-01-19. Review status: criteria provided, single submitter. Criteria: Invitae Variant Classification Sherloc (09022015). Collection method: clinical testing. Allele origin: germline.
Comment: This sequence change creates a premature translational stop signal (p.His205Alafs*6) in the COL27A1 gene. It is expected to result in an absent or disrupted protein product. Loss-of-function variants in COL27A1 are known to be pathogenic (PMID: 24986830, 28276056). This variant is not present in population databases (gnomAD no frequency). This variant has not been reported in the literature in individuals affected with COL27A1-related conditions. For these reasons, this variant has been classified as Pathogenic.

Literature cited by the submitters: PubMed 24986830; PubMed 28276056.

NM_032888.4(COL27A1):c.611dup (p.His205fs)

Gene: COL27A1 (collagen type XXVII alpha 1 chain; plus strand). Cytogenetic location: 9q32.
Variant type: Duplication.
Coding change: c.611dup on transcript NM_032888.4 (MANE Select); coding-DNA position 611, one base duplicated (C; older notation c.611dupC).
Protein change: p.His205fs; shifts the reading frame from histidine 205.
Molecular consequence: frameshift variant.
Genome position (GRCh38, 1-based): chr9:114,168,166, C duplicated; the last of 3 consecutive C bases (chr9:114,168,164-114,168,166); duplicating any one gives the same sequence. VCF-style (leftmost placement, unchanged base first): chr9-114168163-A-AC. GRCh37 (hg19) VCF-style: chr9-116930443-A-AC.
Other names: short protein forms H205fs.
Identifiers: ClinVar variation 2710338 (VCV002710338.3), dbSNP rs2490556729, ClinGen allele CA2697557987.
Genomic context (GRCh38, chr9:114,168,163, plus strand): 5'-TGCCTTTCCACAGGGACCCTGCACTCGACCCTGGGGGCTCCTTCCTCTTTGGGAAGATGA[A>AC]CCCGCATGCAGTCCAGTTTGAAGGTGCTCTCTGCCAGTTCAGTATCTACCCTGTGACGCA-3'